The following is an entry in ClinVar:

ClinVar aggregate classification (germline): Uncertain significance (1 of 4 stars; one submission).

Conditions:
Hereditary cancer-predisposing syndrome. Also called: Neoplastic Syndromes, Hereditary; Tumor predisposition; Hereditary Cancer Syndrome; Hereditary neoplastic syndrome. Identifiers: Orphanet 140162, MedGen C0027672, MeSH D009386, MONDO:0015356.

Submission:

Ambry Genetics
Classification: Uncertain significance for Hereditary cancer-predisposing syndrome. Last evaluated: 2015-10-06. Review status: criteria provided, single submitter. Criteria: Ambry Variant Classification Scheme 2023. Collection method: clinical testing. Allele origin: germline.
Comment: The p.A267P variant (also known as c.799G>C), located in coding exon 6 of the CHEK2 gene, results from a G to C substitution at nucleotide position 799. The alanine at codon 267 is replaced by proline, an amino acid with some highly similar properties. This variant was not reported in population based cohorts in the following databases: Database of Single Nucleotide Polymorphisms (dbSNP), NHLBI Exome Sequencing Project (ESP), and 1000 Genomes Project. In the ESP, this variant was not observed in 6483 samples (12966 alleles) with coverage at this position. To date, this alteration has been detected with an allele frequency of approximately 0.001% (greater than 72000 alleles tested) in our clinical cohort. This amino acid position is highly conserved in available vertebrate species. In addition, the in silico prediction for this alteration is inconclusive. Since supporting evidence is limited at this time, the clinical significance of p.A267P remains unclear.

NM_007194.4(CHEK2):c.799G>C (p.Ala267Pro)

Gene: CHEK2 (checkpoint kinase 2; minus strand). Cytogenetic location: 22q12.1.
Variant type: single nucleotide variant.
Coding change: c.799G>C on transcript NM_007194.4 (MANE Select); coding-DNA position 799, G replaced by C.
Protein change: p.Ala267Pro; replaces alanine 267 with proline.
Molecular consequence: missense variant.
Genome position (GRCh38, 1-based): chr22:28,710,053, C>G on the plus strand (G>C on the coding strand, the complement: CHEK2 is on the minus strand). VCF-style: chr22-28710053-C-G. GRCh37 (hg19) VCF-style: chr22-29106041-C-G.
Other names: c.928G>C, p.Ala310Pro (NM_001005735.3); c.136G>C, p.Ala46Pro (NM_001257387.3); c.598G>C, p.Ala200Pro (NM_001349956.3); c.799G>C, p.Ala267Pro (NM_145862.3); short protein forms A267P, A200P, A310P, A46P.
Identifiers: ClinVar variation 1761554 (VCV001761554.2), dbSNP rs1555920244, ClinGen allele CA411102496.